The following is an entry in ClinVar:

NM_000218.3(KCNQ1):c.130G>A (p.Gly44Ser)

Gene: KCNQ1 (potassium voltage-gated channel subfamily Q member 1; plus strand). Cytogenetic location: 11p15.5.
Variant type: single nucleotide variant.
Coding change: c.130G>A on transcript NM_000218.3 (MANE Select); coding-DNA position 130, G replaced by A.
Protein change: p.Gly44Ser; replaces glycine 44 with serine.
Molecular consequence: missense variant. On other transcripts: 5 prime UTR variant (1).
Genome position (GRCh38, 1-based): chr11:2,445,228, G>A. VCF-style: chr11-2445228-G-A. GRCh37 (hg19) VCF-style: chr11-2466458-G-A.
Other names: c.130G>A, p.Gly44Ser (NM_001406836.1, NM_001406838.1); c.-233G>A (NM_001406837.1); short protein forms G44S.
Identifiers: ClinVar variation 2960022 (VCV002960022.5), dbSNP rs1846017042, ClinGen allele CA379116296.

ClinVar aggregate classification (germline): Uncertain significance. Review status: criteria provided, multiple submitters, no conflicts (2 of 4 stars). 2 submissions from 2 submitters: Uncertain significance (2). Last evaluated 2026-04-01.

Conditions:
Long QT syndrome (LQTS). Identifiers: MedGen C0023976, MeSH D008133, MONDO:0002442. Disease mechanism: loss of function. Inheritance: Various modes of inheritance.

Allele frequency attached by ClinVar (database versions not stated): gnomAD exomes 0.00001.

Submissions (2):

CeGaT Center for Human Genetics Tuebingen
Classification: Uncertain significance. Last evaluated: 2026-04-01. Review status: criteria provided, single submitter. Criteria: CeGaT Center For Human Genetics Tuebingen Variant Classification Criteria Version 2. Collection method: clinical testing. Allele origin: germline. Affected: yes. Observed: 1 variant allele.
Comment: KCNQ1: PM2:Supporting, PP3

Labcorp Genetics (formerly Invitae), Labcorp
Classification: Uncertain significance for Long QT syndrome. Last evaluated: 2025-02-02. Review status: criteria provided, single submitter. Criteria: Invitae Variant Classification Sherloc (09022015). Collection method: clinical testing. Allele origin: germline.
Comment: This sequence change replaces glycine, which is neutral and non-polar, with serine, which is neutral and polar, at codon 44 of the KCNQ1 protein (p.Gly44Ser). This variant is not present in population databases (gnomAD no frequency). This variant has not been reported in the literature in individuals affected with KCNQ1-related conditions. ClinVar contains an entry for this variant (Variation ID: 2960022). Invitae Evidence Modeling of protein sequence and biophysical properties (such as structural, functional, and spatial information, amino acid conservation, physicochemical variation, residue mobility, and thermodynamic stability) indicates that this missense variant is not expected to disrupt KCNQ1 protein function with a negative predictive value of 95%. In summary, the available evidence is currently insufficient to determine the role of this variant in disease. Therefore, it has been classified as a Variant of Uncertain Significance.